The following is an entry in ClinVar:

NM_007194.4(CHEK2):c.1086T>G (p.Cys362Trp)

Gene: CHEK2 (checkpoint kinase 2; minus strand). Cytogenetic location: 22q12.1.
Variant type: single nucleotide variant.
Coding change: c.1086T>G on transcript NM_007194.4 (MANE Select); coding-DNA position 1086, T replaced by G.
Protein change: p.Cys362Trp; replaces cysteine 362 with tryptophan.
Molecular consequence: missense variant. On other transcripts: intron variant (3).
Genome position (GRCh38, 1-based): chr22:28,696,910, A>C on the plus strand (T>G on the coding strand, the complement: CHEK2 is on the minus strand). VCF-style: chr22-28696910-A-C. GRCh37 (hg19) VCF-style: chr22-29092898-A-C.
Other names: c.1215T>G, p.Cys405Trp (NM_001005735.3); c.423T>G, p.Cys141Trp (NM_001257387.3, NM_001437942.1); c.885T>G, p.Cys295Trp (NM_001349956.3); c.1179T>G, p.Cys393Trp (NM_001438293.1); c.1009-1037T>G (NM_145862.3); c.1102-1037T>G (NM_001438295.1); c.1138-1037T>G (NM_001438294.1); short protein forms C362W, C141W, C295W, C405W, C393W.
Identifiers: ClinVar variation 486837 (VCV000486837.5), dbSNP rs1555914244, ClinGen allele CA411097487.

ClinVar aggregate classification (germline): Uncertain significance (1 of 4 stars; one submission).

Conditions:
Hereditary cancer-predisposing syndrome. Also called: Tumor predisposition; Hereditary Cancer Syndrome; Hereditary neoplastic syndrome; Neoplastic Syndromes, Hereditary. Identifiers: Orphanet 140162, MedGen C0027672, MeSH D009386, MONDO:0015356.

Submission:

Ambry Genetics
Classification: Uncertain significance for Hereditary cancer-predisposing syndrome. Last evaluated: 2016-09-07. Review status: criteria provided, single submitter. Criteria: Ambry Variant Classification Scheme 2023. Collection method: clinical testing. Allele origin: germline.
Comment: The p.C362W variant (also known as c.1086T>G), located in coding exon 9 of the CHEK2 gene, results from a T to G substitution at nucleotide position 1086. The cysteine at codon 362 is replaced by tryptophan, an amino acid with highly dissimilar properties. This variant was not reported in population based cohorts in the following databases: Database of Single Nucleotide Polymorphisms (dbSNP), NHLBI Exome Sequencing Project (ESP), and 1000 Genomes Project. In the ESP, this variant was not observed in 6503 samples (13006 alleles) with coverage at this position. To date, this alteration has been detected with an allele frequency of approximately 0.0004% (greater than 200000 alleles tested) in our clinical cohort. This amino acid position is highly conserved in available vertebrate species. In addition, this alteration is predicted to be deleterious by in silico analysis. Since supporting evidence is limited at this time, the clinical significance of this alteration remains unclear.